The following is an entry in ClinVar:

ClinVar aggregate classification (germline): Uncertain significance (1 of 4 stars; one submission).

gnomAD v4.1: 26 of 1,406,126 alleles (0.0018%); highest among the groups gnomAD compares: Non-Finnish European, 0.0024%; no homozygotes.

Submission:

Labcorp Genetics (formerly Invitae), Labcorp
Classification: Uncertain significance. Last evaluated: 2023-05-18. Review status: criteria provided, single submitter. Criteria: Invitae Variant Classification Sherloc (09022015). Collection method: clinical testing. Allele origin: germline.
Comment: In summary, the available evidence is currently insufficient to determine the role of this variant in disease. Therefore, it has been classified as a Variant of Uncertain Significance. Advanced modeling of protein sequence and biophysical properties (such as structural, functional, and spatial information, amino acid conservation, physicochemical variation, residue mobility, and thermodynamic stability) performed at Invitae indicates that this missense variant is expected to disrupt DNAH9 protein function. This variant has not been reported in the literature in individuals affected with DNAH9-related conditions. This variant is not present in population databases (gnomAD no frequency). This sequence change replaces arginine, which is basic and polar, with glutamine, which is neutral and polar, at codon 24 of the DNAH9 protein (p.Arg24Gln).

NM_001372.4(DNAH9):c.71G>A (p.Arg24Gln)

Gene: DNAH9 (dynein axonemal heavy chain 9; plus strand). Cytogenetic location: 17p12.
Variant type: single nucleotide variant.
Coding change: c.71G>A on transcript NM_001372.4 (MANE Select); coding-DNA position 71, G replaced by A.
Protein change: p.Arg24Gln; replaces arginine 24 with glutamine.
Molecular consequence: missense variant.
Genome position (GRCh38, 1-based): chr17:11,598,569, G>A. VCF-style: chr17-11598569-G-A. GRCh37 (hg19) VCF-style: chr17-11501886-G-A.
Other names: short protein forms R24Q.
Identifiers: ClinVar variation 2869506 (VCV002869506.2), dbSNP rs759458594, ClinGen allele CA398153262.